The following is an entry in ClinVar:

NM_000558.5(HBA1):c.245C>G (p.Ser82Cys)

Genes: HBA1 (hemoglobin subunit alpha 1; plus strand), LOC106804613 (hemoglobin subunit alpha 1 recombination region; plus strand). Cytogenetic location: 16p13.3.
Variant type: single nucleotide variant.
Coding change: c.245C>G on transcript NM_000558.5 (MANE Select); coding-DNA position 245, C replaced by G.
Protein change: p.Ser82Cys; replaces serine 82 with cysteine.
Molecular consequence: missense variant.
Genome position (GRCh38, 1-based): chr16:177,078, C>G. VCF-style: chr16-177078-C-G. GRCh37 (hg19) VCF-style: chr16-227077-C-G.
Other names: S81C; c.245C>G (NM_000558.3); short protein forms S82C.
Identifiers: ClinVar variation 15788 (VCV000015788.3), dbSNP rs34936612, ClinGen allele CA125837.

ClinVar aggregate classification (germline): Uncertain significance. Review status: criteria provided, single submitter (1 of 4 stars). 2 submissions from 2 submitters: Uncertain significance (1). 1 of the submissions does not count toward it. Last evaluated 2025-02-20.

Conditions:
HEMOGLOBIN NIGERIA.

Allele frequency attached by ClinVar (database versions not stated): ExAC 0.00014; gnomAD exomes 0.00005.

Submissions (2):

Quest Diagnostics Nichols Institute San Juan Capistrano
Classification: Uncertain significance. Last evaluated: 2025-02-20. Review status: criteria provided, single submitter. Criteria: Quest Diagnostics criteria. Collection method: clinical testing. Allele origin: unknown.
Comment: It was also identified in another individual affected with a hemoglobinopathy (PMID: 26635043 (2016)). This variant is reported to have normal stability, Bohr effect, and Hill's coefficient (PMID: 7350933 (1980)). This variant also resisted methemoglobin formation and had an oxygen equilibrium curve with normal position and configuration, but the pO2 at 50% saturation was somewhat reduced (PMID: 7350933 (1980)). The frequency of this variant in the general population (Genome Aggregation Database) is uninformative in the assessment of its pathogenicity. Based on the available information, we are unable to determine the clinical significance of this variant.

OMIM
Classification: other for HEMOGLOBIN NIGERIA. Last evaluated: 2016-07-20. Review status: no assertion criteria provided. Collection method: literature only. Allele origin: germline. Not counted in ClinVar's aggregate classification.

Literature cited by the submitters: PubMed 26824843 (cited by Quest Diagnostics Nichols Institute San Juan Capistrano); PubMed 31553106 (cited by Quest Diagnostics Nichols Institute San Juan Capistrano); PubMed 21423179 (cited by Quest Diagnostics Nichols Institute San Juan Capistrano); PubMed 7350933 (cited by Quest Diagnostics Nichols Institute San Juan Capistrano); PubMed 26635043 (cited by Quest Diagnostics Nichols Institute San Juan Capistrano); Honig, G. R., Shamsuddin, M., Tremaine, L. M., Mason, R. G., Vida, L. N., Sarnwick, R., Shahidi, N. T. Hemoglobin Nigeria (alpha81 ser-to-cys), a new variant having an inhibitory effect on the gelation of sickle hemoglobin. (Abstract) Blood 52 (suppl. 1): 113, 1978. (cited by OMIM).